The following is an entry in ClinVar:

NM_006892.4(DNMT3B):c.2477G>A (p.Arg826His)

Gene: DNMT3B (DNA methyltransferase 3 beta; plus strand). Cytogenetic location: 20q11.21.
Variant type: single nucleotide variant.
Coding change: c.2477G>A on transcript NM_006892.4 (MANE Select); coding-DNA position 2477, G replaced by A.
Protein change: p.Arg826His; replaces arginine 826 with histidine.
Molecular consequence: missense variant.
Genome position (GRCh38, 1-based): chr20:32,807,818, G>A. VCF-style: chr20-32807818-G-A. GRCh37 (hg19) VCF-style: chr20-31395624-G-A.
Other names: c.2102G>A, p.Arg701His (NM_001207055.2); c.2000G>A, p.Arg667His (NM_001207056.2); c.2417G>A, p.Arg806His (NM_175848.2); c.2228G>A, p.Arg743His (NM_175849.2); c.2453G>A, p.Arg818His (NM_175850.3); short protein forms R667H, R701H, R743H, R806H, R818H, R826H.
Identifiers: ClinVar variation 1026466 (VCV001026466.9), dbSNP rs756972254, ClinGen allele CA408593036.

ClinVar aggregate classification (germline): Conflicting classifications of pathogenicity. Review status: criteria provided, conflicting classifications (1 of 4 stars). 3 submissions from 3 submitters: Likely pathogenic (1); Uncertain significance (2). Last evaluated 2024-10-16.

Conditions:
Centromeric instability of chromosomes 1,9 and 16 and immunodeficiency (ICF1). Also called: CENTROMERIC INSTABILITY, IMMUNODEFICIENCY SYNDROME; Immunodeficiency-centromeric instability-facial anomalies; IMMUNE DEFICIENCY, VARIABLE, WITH CENTROMERIC INSTABILITY OF CHROMOSOMES 1, 9, AND 16; IMMUNODEFICIENCY SYNDROME, VARIABLE. Identifiers: Orphanet 2268, MedGen C0398788, MONDO:0000133.
Immunodeficiency-centromeric instability-facial anomalies syndrome 1 (ICF1). Identifiers: Orphanet 2268, MedGen C4551557, MONDO:0009454, OMIM 242860.

Allele frequency attached by ClinVar (database versions not stated): TOPMed 0.00001.
gnomAD v4.1: 8 of 1,614,138 alleles (0.0005%); highest among the groups gnomAD compares: African/African-American, 0.0013%; no homozygotes.

Submissions (3):

Women's Health and Genetics/Laboratory Corporation of America, LabCorp
Classification: Likely pathogenic for Immunodeficiency-centromeric instability-facial anomalies syndrome 1. Last evaluated: 2024-10-16. Review status: criteria provided, single submitter. Criteria: LabCorp Variant Classification Summary - May 2015. Collection method: clinical testing. Allele origin: germline.
Comment: Variant summary: DNMT3B c.2477G>A (p.Arg826His) results in a non-conservative amino acid change in the encoded protein sequence. Five of five in-silico tools predict a damaging effect of the variant on protein function. The variant allele was found at a frequency of 4e-06 in 251382 control chromosomes (gnomAD). c.2477G>A has been reported in the literature in individuals affected with ICF Syndrome, Type 1, and in one case was reported as a de novo occurrence (Hu_2019, Mehawej_2020). These data indicate that the variant is likely to be associated with disease. To our knowledge, no experimental evidence demonstrating an impact on protein function has been reported. The following publications have been ascertained in the context of this evaluation (PMID: 30630233, 32360517). ClinVar contains an entry for this variant (Variation ID: 1026466). Based on the evidence outlined above, the variant was classified as likely pathogenic.

Labcorp Genetics (formerly Invitae), Labcorp
Classification: Uncertain significance for Centromeric instability of chromosomes 1,9 and 16 and immunodeficiency. Last evaluated: 2022-07-06. Review status: criteria provided, single submitter. Criteria: Invitae Variant Classification Sherloc (09022015). Collection method: clinical testing. Allele origin: germline.
Comment: This sequence change replaces arginine, which is basic and polar, with histidine, which is basic and polar, at codon 826 of the DNMT3B protein (p.Arg826His). The frequency data for this variant in the population databases is considered unreliable, as metrics indicate poor data quality at this position in the gnomAD database. This missense change has been observed in individual(s) with immunodeficiency-centromeric instability-facial anomalies syndrome (PMID: 30630233). ClinVar contains an entry for this variant (Variation ID: 1026466). Algorithms developed to predict the effect of missense changes on protein structure and function are either unavailable or do not agree on the potential impact of this missense change (SIFT: "Deleterious"; PolyPhen-2: "Probably Damaging"; Align-GVGD: "Class C0"). This variant disrupts the p.Arg826 amino acid residue in DNMT3B. Other variant(s) that disrupt this residue have been observed in individuals with DNMT3B-related conditions (PMID: 17893117), which suggests that this may be a clinically significant amino acid residue. In summary, the available evidence is currently insufficient to determine the role of this variant in disease. Therefore, it has been classified as a Variant of Uncertain Significance.

Blueprint Genetics
Classification: Uncertain significance. Last evaluated: 2019-06-24. Review status: criteria provided, single submitter. Criteria: ACMG Guidelines, 2015. Collection method: clinical testing. Allele origin: germline.

Literature cited by the submitters: PubMed 30630233 (cited by Women's Health and Genetics/Laboratory Corporation of America, LabCorp and Labcorp Genetics (formerly Invitae), Labcorp); PubMed 32360517 (cited by Women's Health and Genetics/Laboratory Corporation of America, LabCorp); PubMed 17893117 (cited by Labcorp Genetics (formerly Invitae), Labcorp).